The following is an entry in ClinVar:

ClinVar aggregate classification (germline): Conflicting classifications of pathogenicity. Review status: criteria provided, conflicting classifications (1 of 4 stars). 2 submissions from 2 submitters: Uncertain significance (1); Benign (1). Last evaluated 2020-11-13.

Conditions:
Ullrich congenital muscular dystrophy 2 (UCMD2). Identifiers: Orphanet 75840, MedGen C4225314, MONDO:0014654, OMIM 616470.
Bethlem myopathy 2 (BTHLM2). Identifiers: Orphanet 536516, Orphanet 610, MedGen C4225313, MONDO:0034022, OMIM 616471.

Submissions (2):

GeneDx
Classification: Uncertain significance. Last evaluated: 2020-11-13. Review status: criteria provided, single submitter. Criteria: GeneDx Variant Classification Process June 2021. Collection method: clinical testing. Allele origin: germline. Affected: yes.
Comment: Has not been previously published as pathogenic or benign to our knowledge; Not observed in large population cohorts (Lek et al., 2016); In-silico analysis, which includes splice predictors and evolutionary conservation, is inconclusive as to whether the variant alters gene splicing. In the absence of RNA/functional studies, the actual effect of this sequence change is unknown.

Labcorp Genetics (formerly Invitae), Labcorp
Classification: Benign for Bethlem myopathy 2; Ullrich congenital muscular dystrophy 2. Last evaluated: 2020-07-19. Review status: criteria provided, single submitter. Criteria: Invitae Variant Classification Sherloc (09022015). Collection method: clinical testing. Allele origin: germline.

NM_004370.6(COL12A1):c.335-8del

Gene: COL12A1 (collagen type XII alpha 1 chain; minus strand). Cytogenetic location: 6q13.
Variant type: Deletion.
Coding change: c.335-8del on transcript NM_004370.6 (MANE Select); 8 bases into the intron before coding-DNA position 335, one base deleted (T; older notation c.335-8delT).
Molecular consequence: intron variant.
Genome position (GRCh38, 1-based): chr6:75,191,768, A deleted on the plus strand (T on the coding strand, the reverse complement: COL12A1 is on the minus strand); the first of 4 consecutive A bases (chr6:75,191,768-75,191,771); deleting any one gives the same sequence. VCF-style (leftmost placement, unchanged base first): chr6-75191767-TA-T. GRCh37 (hg19) VCF-style: chr6-75901483-TA-T.
Other names: c.73+10952del (NM_080645.3).
Identifiers: ClinVar variation 1165242 (VCV001165242.10), dbSNP rs2149478420, ClinGen allele CA2499218536.